The following is an entry in ClinVar:

ClinVar aggregate classification (germline): Pathogenic. Review status: criteria provided, multiple submitters, no conflicts (2 of 4 stars). 2 submissions from 2 submitters: Pathogenic (2). Last evaluated 2023-12-13.

Conditions:
Long QT syndrome (LQTS). Identifiers: MedGen C0023976, MeSH D008133, MONDO:0002442. Disease mechanism: loss of function. Inheritance: Various modes of inheritance.

Submissions (2):

Labcorp Genetics (formerly Invitae), Labcorp
Classification: Pathogenic for Long QT syndrome. Last evaluated: 2023-12-13. Review status: criteria provided, single submitter. Criteria: Invitae Variant Classification Sherloc (09022015). Collection method: clinical testing. Allele origin: germline.
Comment: This sequence change affects an acceptor splice site in intron 5 of the KCNH2 gene. It is expected to disrupt RNA splicing. Variants that disrupt the donor or acceptor splice site typically lead to a loss of protein function (PMID: 16199547), and loss-of-function variants in KCNH2 are known to be pathogenic (PMID: 10973849, 19862833). This variant is not present in population databases (gnomAD no frequency). Disruption of this splice site has been observed in individuals with Long QT syndrome (PMID: 10973849, 26669661; Invitae). This variant is also known as A1129-2G (Q376sp). ClinVar contains an entry for this variant (Variation ID: 200325). Algorithms developed to predict the effect of sequence changes on RNA splicing suggest that this variant may disrupt the consensus splice site. For these reasons, this variant has been classified as Pathogenic.

GeneDx
Classification: Pathogenic. Last evaluated: 2014-08-01. Review status: criteria provided, single submitter. Criteria: GeneDx Variant Classification (06012015). Collection method: clinical testing. Allele origin: germline. Affected: yes.
Comment: c.1129-2 A>G: IVS5-2 A>G in intron 5 of the KCNH2 gene (NM_000238.2)The c.1129-2 A>G mutation in the KCNH2 gene has been reported previously in one individual with a diagnosis of LQTS, and was not reported in at least 400 control alleles (Splawski I et al., 2000). In addition, the c.1128-2 A>G mutation was not observed in approximately 6,500 individuals of European and African American ancestry in the NHLBI Exome Sequencing Project, indicating it is not a common benign variant in these populations. This mutation destroys the canonical splice acceptor site in intron 5 and is predicted to cause abnormal gene splicing. Other splice site mutations in the KCNH2 gene have been reported in association with LQTS. In summary, c.1129-2 A>G in the KCNH2 gene is interpreted as a disease-causing mutation. The variant is found in LQT panel(s).

Literature cited by the submitters: PubMed 16199547 (cited by Labcorp Genetics (formerly Invitae), Labcorp); PubMed 10973849 (cited by Labcorp Genetics (formerly Invitae), Labcorp); PubMed 19862833 (cited by Labcorp Genetics (formerly Invitae), Labcorp); PubMed 26669661 (cited by Labcorp Genetics (formerly Invitae), Labcorp).

NM_000238.4(KCNH2):c.1129-2A>G

Gene: KCNH2 (potassium voltage-gated channel subfamily H member 2; minus strand). Cytogenetic location: 7q36.1.
Variant type: single nucleotide variant.
Coding change: c.1129-2A>G on transcript NM_000238.4 (MANE Select); the canonical splice acceptor site of the intron before coding-DNA position 1129, A replaced by G.
Molecular consequence: splice acceptor variant.
Genome position (GRCh38, 1-based): chr7:150,952,855, T>C on the plus strand (A>G on the coding strand, the complement: KCNH2 is on the minus strand). VCF-style: chr7-150952855-T-C. GRCh37 (hg19) VCF-style: chr7-150649943-T-C.
Other names: c.841-2A>G (NM_001406753.1, NM_001406756.1); c.109-2A>G (NM_172057.3, NM_001204798.2); c.1129-2A>G (NM_172056.3); c.952-2A>G (NM_001406755.1); c.829-2A>G (NM_001406757.1).
Identifiers: ClinVar variation 200325 (VCV000200325.9), dbSNP rs794728365, ClinGen allele CA004238.